The following is an entry in ClinVar:

ClinVar aggregate classification (germline): Benign/Likely benign. Review status: criteria provided, multiple submitters, no conflicts (2 of 4 stars). 3 submissions from 3 submitters: Benign (1); Likely benign (2). Last evaluated 2025-08-04.

Conditions:
Cataract 33. Also called: CATARACT 33, CORTICAL. Identifiers: Orphanet 91492, MedGen C3808107, MONDO:0012665, OMIM 611391.

Allele frequency attached by ClinVar (database versions not stated): ExAC below 0.00001; gnomAD exomes 0.00066; gnomAD 0.00917 and 0.00985; TOPMed 0.01036; 1000 Genomes Project 0.01098; 1000 Genomes Project 30x 0.01249.
gnomAD v4.1: 2,221 of 1,304,188 alleles (0.17%); highest among the groups gnomAD compares: African/African-American, 3.1%; 37 homozygotes.

Submissions (3):

Labcorp Genetics (formerly Invitae), Labcorp
Classification: Benign for Cataract 33. Last evaluated: 2025-08-04. Review status: criteria provided, single submitter. Criteria: Invitae Variant Classification Sherloc (09022015). Collection method: clinical testing. Allele origin: germline.

GeneDx
Classification: Likely benign. Last evaluated: 2024-05-16. Review status: criteria provided, single submitter. Criteria: GeneDx Variant Classification Process June 2021. Collection method: clinical testing. Allele origin: germline. Affected: yes.
Comment: See Variant Classification Assertion Criteria.

Breakthrough Genomics
Classification: Likely benign. Review status: criteria provided, single submitter. Criteria: ACMG Guidelines, 2015. Collection method: not provided. Allele origin: germline. Inheritance: Autosomal recessive inheritance. Affected: yes.

NM_001195.5(BFSP1):c.137G>C (p.Gly46Ala)

Gene: BFSP1 (beaded filament structural protein 1; minus strand). Cytogenetic location: 20p12.1.
Variant type: single nucleotide variant.
Coding change: c.137G>C on transcript NM_001195.5 (MANE Select); coding-DNA position 137, G replaced by C.
Protein change: p.Gly46Ala; replaces glycine 46 with alanine.
Molecular consequence: missense variant. On other transcripts: intron variant (4).
Genome position (GRCh38, 1-based): chr20:17,531,193, C>G on the plus strand (G>C on the coding strand, the complement: BFSP1 is on the minus strand). VCF-style: chr20-17531193-C-G. GRCh37 (hg19) VCF-style: chr20-17511838-C-G.
Other names: c.-40-6285G>C (NM_001278608.2, NM_001278606.2); c.45-6285G>C (NM_001278607.2); c.3-6285G>C (NM_001161705.2); short protein forms G46A.
Identifiers: ClinVar variation 474089 (VCV000474089.14), dbSNP rs143850362, ClinGen allele CA9772382.